The following is an entry in ClinVar:

ClinVar aggregate classification (germline): Uncertain significance (1 of 4 stars; one submission).

Submission:

GeneDx
Classification: Uncertain significance. Last evaluated: 2024-07-12. Review status: criteria provided, single submitter. Criteria: GeneDx Variant Classification Process June 2021. Collection method: clinical testing. Allele origin: germline. Affected: yes.
Comment: In-frame duplication of 11 amino acids in a non-repeat region; Not observed at significant frequency in large population cohorts (gnomAD); Has not been previously published as pathogenic or benign to our knowledge

NM_022455.5(NSD1):c.7072_7104dup (p.Ala2368_Ser2369insAspProArgLeuAspLysSerIleGlyAlaAla)

Gene: NSD1 (nuclear receptor binding SET domain protein 1; plus strand). Cytogenetic location: 5q35.3.
Variant type: Duplication.
Coding change: c.7072_7104dup on transcript NM_022455.5 (MANE Select); coding-DNA positions 7072 to 7104, 33 bases duplicated.
Protein change: p.Ala2368_Ser2369insAspProArgLeuAspLysSerIleGlyAlaAla.
Genome position (GRCh38, 1-based): chr5:177,294,440-177,294,472, 33 bases duplicated. GRCh37 (hg19): chr5:176,721,441-176,721,473.
Other names: c.6199_6231dup, p.Ala2077_Ser2078insAspProArgLeuAspLysSerIleGlyAlaAla (NM_001365684.2, NM_001409308.1, NM_172349.5); c.7072_7104dup, p.Ala2368_Ser2369insAspProArgLeuAspLysSerIleGlyAlaAla (NM_001409301.1, NM_001409302.1, NM_001409303.1); c.6652_6684dup, p.Ala2228_Ser2229insAspProArgLeuAspLysSerIleGlyAlaAla (NM_001409304.1); c.6319_6351dup, p.Ala2117_Ser2118insAspProArgLeuAspLysSerIleGlyAlaAla (NM_001409305.1); c.6310_6342dup, p.Ala2114_Ser2115insAspProArgLeuAspLysSerIleGlyAlaAla (NM_001409306.1, NM_001409307.1); c.5950_5982dup, p.Ala1994_Ser1995insAspProArgLeuAspLysSerIleGlyAlaAla (NM_001409309.1).
Identifiers: ClinVar variation 3572807 (VCV003572807.1).
Genomic context (GRCh38, chr5:177,294,439, plus strand): 5'-CAGCCCAAGCTCCTCACCCTCAGTCAGGTCCCAACCACTGGAAAGACCTCTGGGGACGGC[T>TGACCCAAGGCTGGATAAATCCATAGGTGCTGCC]GACCCAAGGCTGGATAAATCCATAGGTGCTGCCAGCCCAAGGCCCCAGTCACTGGAGAAA-3'